The following is an entry in ClinVar:

NM_001999.4(FBN2):c.3803G>C (p.Cys1268Ser)

Gene: FBN2 (fibrillin 2; minus strand). Cytogenetic location: 5q23.3.
Variant type: single nucleotide variant.
Coding change: c.3803G>C on transcript NM_001999.4 (MANE Select); coding-DNA position 3803, G replaced by C.
Protein change: p.Cys1268Ser; replaces cysteine 1268 with serine.
Molecular consequence: missense variant.
Genome position (GRCh38, 1-based): chr5:128,335,499, C>G on the plus strand (G>C on the coding strand, the complement: FBN2 is on the minus strand). VCF-style: chr5-128335499-C-G. GRCh37 (hg19) VCF-style: chr5-127671191-C-G.
Other names: c.3803G>C (NM_001999.3); short protein forms C1268S.
Identifiers: ClinVar variation 1003634 (VCV001003634.8), dbSNP rs1750811749, ClinGen allele CA360757987.
Genomic context (GRCh38, chr5:128,335,499, plus strand): 5'-GTTTTCCTTTCTATACCTGCACACGATCTCCCATCTGGCATCAGGGCATAACCCTCACTG[C>G]AGCTGCATTCGTAGCTTCCCTCTGAATTTGTGCACTGGGTGTCACAGCCTCCGTTCATTA-3'
Protein context (NP_001990.2, residues 1258-1278): TNSEGSYECS[Cys1268Ser]SEGYALMPDG

ClinVar aggregate classification (germline): Pathogenic/Likely pathogenic. Review status: criteria provided, multiple submitters, no conflicts (2 of 4 stars). 2 submissions from 2 submitters: Pathogenic (1); Likely pathogenic (1). Last evaluated 2024-02-06.

Conditions:
Congenital contractural arachnodactyly (CCA). Also called: Beals-Hecht syndrome; Arthrogryposis, distal, type 9; BEALS SYNDROME. Identifiers: Orphanet 115, MedGen C0220668, MONDO:0007363, OMIM 121050.

Submissions (2):

Labcorp Genetics (formerly Invitae), Labcorp
Classification: Pathogenic for Congenital contractural arachnodactyly. Last evaluated: 2024-02-06. Review status: criteria provided, single submitter. Criteria: Invitae Variant Classification Sherloc (09022015). Collection method: clinical testing. Allele origin: germline.
Comment: This sequence change replaces cysteine, which is neutral and slightly polar, with serine, which is neutral and polar, at codon 1268 of the FBN2 protein (p.Cys1268Ser). This variant is not present in population databases (gnomAD no frequency). This missense change has been observed in individuals with clinical features of congenital contractural arachnodactyly (Invitae). ClinVar contains an entry for this variant (Variation ID: 1003634). Advanced modeling of protein sequence and biophysical properties (such as structural, functional, and spatial information, amino acid conservation, physicochemical variation, residue mobility, and thermodynamic stability) performed at Invitae indicates that this missense variant is expected to disrupt FBN2 protein function with a positive predictive value of 80%. This variant affects a cysteine residue located within an epidermal growth factor (EGF)–like domain of the FBN2 protein. Cysteine residues in these domains are involved in the formation of disulfide bridges critical for protein structure and stability (PMID: 3495735, 4750422, 16677079). In addition, missense substitutions within the FBN2 EGF-like domains affecting cysteine residues are overrepresented in patients with congenital contractural arachnodactyly (PMID: 18767143). For these reasons, this variant has been classified as Pathogenic.

GeneDx
Classification: Likely pathogenic. Last evaluated: 2023-12-11. Review status: criteria provided, single submitter. Criteria: GeneDx Variant Classification Process June 2021. Collection method: clinical testing. Allele origin: germline. Affected: yes.
Comment: Not observed at significant frequency in large population cohorts (gnomAD); In silico analysis supports that this missense variant has a deleterious effect on protein structure/function; Has not been previously published as pathogenic or benign to our knowledge; This variant is associated with the following publications: (PMID: 18767143, 19006240)

Literature cited by the submitters: PubMed 3495735 (cited by Labcorp Genetics (formerly Invitae), Labcorp); PubMed 4750422 (cited by Labcorp Genetics (formerly Invitae), Labcorp); PubMed 16677079 (cited by Labcorp Genetics (formerly Invitae), Labcorp); PubMed 18767143 (cited by Labcorp Genetics (formerly Invitae), Labcorp).